The following is an entry in ClinVar:

NM_000146.4(FTL):c.522C>T (p.His174=)

Gene: FTL (ferritin light chain; plus strand). Cytogenetic location: 19q13.33.
Variant type: single nucleotide variant.
Coding change: c.522C>T on transcript NM_000146.4 (MANE Select); coding-DNA position 522, C replaced by T.
Protein change: p.His174=; no amino-acid change (histidine 174 retained).
Molecular consequence: synonymous variant.
Genome position (GRCh38, 1-based): chr19:48,966,729, C>T. VCF-style: chr19-48966729-C-T. GRCh37 (hg19) VCF-style: chr19-49469986-C-T.
Other names: p.His174=.
Identifiers: ClinVar variation 329787 (VCV000329787.61), dbSNP rs73046709, ClinGen allele CA9562598.
Genomic context (GRCh38, chr19:48,966,729, plus strand): 5'-GCTGGGTGGCCCGGAGGCTGGGCTGGGCGAGTATCTCTTCGAAAGGCTCACTCTCAAGCA[C>T]GACTAAGAGCCTTCTGAGCCCAGCGACTTCTGAAGGGCCCCTTGCAAAGTAATAGGGCTT-3'
Protein context (NP_000137.2, residues 164-175): EYLFERLTLK[His174=]D

ClinVar aggregate classification (germline): Benign/Likely benign. Review status: criteria provided, multiple submitters, no conflicts (2 of 4 stars). 11 submissions from 10 submitters: Benign (3); Likely benign (5). 3 of the submissions do not count toward it. Last evaluated 2026-09-01.

Conditions:
Neuroferritinopathy (NBIA3). Also called: NEURODEGENERATION WITH BRAIN IRON ACCUMULATION 3; BASAL GANGLIA DISEASE, ADULT-ONSET. Identifiers: Orphanet 157846, MedGen C1853578, MONDO:0011638, OMIM 606159.
Hereditary hyperferritinemia with congenital cataracts. Also called: HYPERFERRITINEMIA WITH OR WITHOUT CATARACT; Hereditary hyperferritinemia cataract syndrome; Bonneau-Beaumont syndrome. Identifiers: Orphanet 163, MedGen C1833213, MONDO:0010952, OMIM 600886.

Allele frequency attached by ClinVar (database versions not stated): 1000 Genomes Project 0.00060; 1000 Genomes Project 30x 0.00109; TOPMed 0.00165; gnomAD 0.00180 and 0.00184; gnomAD exomes 0.00221 and 0.00286; ExAC 0.00259; ESP Exome Variant Server 0.00277.

Submissions (11):

CeGaT Center for Human Genetics Tuebingen
Classification: Likely benign. Last evaluated: 2026-09-01. Review status: criteria provided, single submitter. Criteria: CeGaT Center For Human Genetics Tuebingen Variant Classification Criteria Version 2. Collection method: clinical testing. Allele origin: germline. Affected: yes. Observed: 30 variant alleles.
Comment: FTL: BP4, BP7

Labcorp Genetics (formerly Invitae), Labcorp
Classification: Benign for Neuroferritinopathy; Hereditary hyperferritinemia with congenital cataracts. Last evaluated: 2026-01-19. Review status: criteria provided, single submitter. Criteria: Invitae Variant Classification Sherloc (09022015). Collection method: clinical testing. Allele origin: germline.

Mayo Clinic Laboratories, Mayo Clinic
Classification: Likely benign. Last evaluated: 2025-08-27. Review status: criteria provided, single submitter. Criteria: ACMG Guidelines, 2015. Collection method: clinical testing. Allele origin: germline. Observed: 2 variant alleles.
Comment: BS1, BP4, BP7

Blueprint Genetics
Classification: Likely benign. Last evaluated: 2024-11-08. Review status: criteria provided, single submitter. Criteria: ACMG Guidelines, 2015. Collection method: clinical testing. Allele origin: germline.

GeneDx
Classification: Likely benign. Last evaluated: 2020-08-24. Review status: criteria provided, single submitter. Criteria: GeneDx Variant Classification Process June 2021. Collection method: clinical testing. Allele origin: germline. Affected: yes.

Illumina Laboratory Services, Illumina
Classification: Benign for Neuroferritinopathy. Last evaluated: 2018-01-13. Review status: criteria provided, single submitter. Criteria: ICSL Variant Classification Criteria 13 December 2019. Collection method: clinical testing. Allele origin: germline.
Comment: This variant was observed in the ICSL laboratory as part of a predisposition screen in an ostensibly healthy population. It had not been previously curated by ICSL or reported in the Human Gene Mutation Database (HGMD: prior to June 1st, 2018), and was therefore a candidate for classification through an automated scoring system. Utilizing variant allele frequency, disease prevalence and penetrance estimates, and inheritance mode, an automated score was calculated to assess if this variant is too frequent to cause the disease. Based on the score and internal cut-off values, a variant classified as benign is not then subjected to further curation. The score for this variant resulted in a classification of benign for this disease.

Illumina Laboratory Services, Illumina
Classification: Benign for Hereditary hyperferritinemia with congenital cataracts. Last evaluated: 2018-01-13. Review status: criteria provided, single submitter. Criteria: ICSL Variant Classification Criteria 13 December 2019. Collection method: clinical testing. Allele origin: germline.
Comment: the same text as in the submission from Illumina Laboratory Services, Illumina above.

Breakthrough Genomics
Classification: Likely benign. Review status: criteria provided, single submitter. Criteria: ACMG Guidelines, 2015. Collection method: not provided. Allele origin: germline. Inheritance: Autosomal recessive inheritance. Affected: yes.

Clinical Genetics DNA and cytogenetics Diagnostics Lab, Erasmus MC, Erasmus Medical Center
Classification: Likely benign. Review status: no assertion criteria provided. Collection method: clinical testing. Allele origin: germline. Affected: yes. Study: VKGL Data-share Consensus. Not counted in ClinVar's aggregate classification.

Diagnostic Laboratory, Department of Genetics, University Medical Center Groningen
Classification: Likely benign. Review status: no assertion criteria provided. Collection method: clinical testing. Allele origin: germline. Affected: yes. Study: VKGL Data-share Consensus. Not counted in ClinVar's aggregate classification.

Joint Genome Diagnostic Labs from Nijmegen and Maastricht, Radboudumc and MUMC+
Classification: Benign. Review status: no assertion criteria provided. Collection method: clinical testing. Allele origin: germline. Affected: yes. Study: VKGL Data-share Consensus. Not counted in ClinVar's aggregate classification.

Literature cited by the submitters: PubMed 20981230 (cited by Mayo Clinic Laboratories, Mayo Clinic).